The following is an entry in ClinVar:

NM_015354.3(NUP188):c.4017G>A (p.Leu1339=)

Gene: NUP188 (nucleoporin 188; plus strand). Cytogenetic location: 9q34.11.
Variant type: single nucleotide variant.
Coding change: c.4017G>A on transcript NM_015354.3 (MANE Select); coding-DNA position 4017, G replaced by A.
Protein change: p.Leu1339=; no amino-acid change (leucine 1339 retained).
Molecular consequence: synonymous variant.
Genome position (GRCh38, 1-based): chr9:129,001,702, G>A. VCF-style: chr9-129001702-G-A. GRCh37 (hg19) VCF-style: chr9-131763981-G-A.
Identifiers: ClinVar variation 3905265 (VCV003905265.10).

ClinVar aggregate classification (germline): Likely benign (1 of 4 stars; one submission).

gnomAD v4.1: 724 of 1,613,760 alleles (0.045%); highest among the groups gnomAD compares: African/African-American, 0.88%; 5 homozygotes.

Submission:

CeGaT Center for Human Genetics Tuebingen
Classification: Likely benign. Last evaluated: 2025-05-01. Review status: criteria provided, single submitter. Criteria: CeGaT Center For Human Genetics Tuebingen Variant Classification Criteria Version 2. Collection method: clinical testing. Allele origin: germline. Affected: yes. Observed: 1 variant allele.
Comment: NUP188: BP4, BS2